The following is an entry in ClinVar:

ClinVar aggregate classification (germline): Uncertain significance (1 of 4 stars; one submission).

Conditions:
Cardiovascular phenotype. Identifiers: MedGen CN230736.
Hereditary cancer-predisposing syndrome. Also called: Hereditary Cancer Syndrome; Hereditary neoplastic syndrome; Neoplastic Syndromes, Hereditary; Tumor predisposition. Identifiers: Orphanet 140162, MedGen C0027672, MeSH D009386, MONDO:0015356.

Allele frequency attached by ClinVar (database versions not stated): gnomAD exomes below 0.00001.

Submission:

Ambry Genetics
Classification: Uncertain significance for Cardiovascular phenotype; Hereditary cancer-predisposing syndrome. Last evaluated: 2021-02-03. Review status: criteria provided, single submitter. Criteria: Ambry Variant Classification Scheme 2023. Collection method: clinical testing. Allele origin: germline.
Comment: The p.L439F variant (also known as c.1315C>T), located in coding exon 12 of the NF1 gene, results from a C to T substitution at nucleotide position 1315. The leucine at codon 439 is replaced by phenylalanine, an amino acid with highly similar properties. This variant has been previously detected in a patient with neurofibromatosis type 1 (Melloni G et al. Cancers (Basel), 2019 11;11:). This amino acid position is highly conserved in available vertebrate species. In addition, this alteration is predicted to be deleterious by in silico analysis. Since supporting evidence is limited at this time, the clinical significance of this alteration remains unclear.

NM_001042492.3(NF1):c.1315C>T (p.Leu439Phe)

Gene: NF1 (neurofibromin 1; plus strand). Cytogenetic location: 17q11.2.
Variant type: single nucleotide variant.
Coding change: c.1315C>T on transcript NM_001042492.3 (MANE Select); coding-DNA position 1315, C replaced by T.
Protein change: p.Leu439Phe; replaces leucine 439 with phenylalanine.
Molecular consequence: missense variant.
Genome position (GRCh38, 1-based): chr17:31,206,294, C>T. VCF-style: chr17-31206294-C-T. GRCh37 (hg19) VCF-style: chr17-29533312-C-T.
Other names: c.1315C>T, p.Leu439Phe (NM_000267.4, NM_001128147.3); short protein forms L439F.
Identifiers: ClinVar variation 1769779 (VCV001769779.2), dbSNP rs759017904, ClinGen allele CA398999410.